The following is an entry in ClinVar:

NM_004064.5(CDKN1B):c.299A>G (p.Lys100Arg)

Gene: CDKN1B (cyclin dependent kinase inhibitor 1B; plus strand). Cytogenetic location: 12p13.1.
Variant type: single nucleotide variant.
Coding change: c.299A>G on transcript NM_004064.5 (MANE Select); coding-DNA position 299, A replaced by G.
Protein change: p.Lys100Arg; replaces lysine 100 with arginine.
Molecular consequence: missense variant.
Genome position (GRCh38, 1-based): chr12:12,718,138, A>G. VCF-style: chr12-12718138-A-G. GRCh37 (hg19) VCF-style: chr12-12871072-A-G.
Other names: short protein forms K100R.
Identifiers: ClinVar variation 657937 (VCV000657937.15), dbSNP rs774291520, ClinGen allele CA6457454.
Genomic context (GRCh38, chr12:12,718,138, plus strand): 5'-AGAAGGGCAGCTTGCCCGAGTTCTACTACAGACCCCCGCGGCCCCCCAAAGGTGCCTGCA[A>G]GGTGCCGGCGCAGGAGAGCCAGGATGTCAGCGGGAGCCGCCCGGCGGCGCCTTTAATTGG-3'
Protein context (NP_004055.1, residues 90-110): RPPRPPKGAC[Lys100Arg]VPAQESQDVS

ClinVar aggregate classification (germline): Conflicting classifications of pathogenicity. Review status: criteria provided, conflicting classifications (1 of 4 stars). 2 submissions from 2 submitters: Uncertain significance (1); Likely benign (1). Last evaluated 2026-08-27.

Conditions:
Multiple endocrine neoplasia type 4. Also called: MULTIPLE ENDOCRINE NEOPLASIA, TYPE IV. Identifiers: Orphanet 276152, MedGen C1970712, MONDO:0012552, OMIM 610755.
Hereditary cancer-predisposing syndrome. Also called: Neoplastic Syndromes, Hereditary; Hereditary Cancer Syndrome; Hereditary neoplastic syndrome; Tumor predisposition. Identifiers: Orphanet 140162, MedGen C0027672, MeSH D009386, MONDO:0015356.

Allele frequency attached by ClinVar (database versions not stated): gnomAD exomes below 0.00001; ExAC 0.00001.
gnomAD v4.1: 2 of 1,614,090 alleles (0.00012%); highest among the groups gnomAD compares: African/African-American, 0.0013%; no homozygotes.

Submissions (2):

Ambry Genetics
Classification: Likely benign for Hereditary cancer-predisposing syndrome. Last evaluated: 2026-08-27. Review status: criteria provided, single submitter. Criteria: Ambry Variant Classification Scheme 2023. Collection method: clinical testing. Allele origin: germline.

Labcorp Genetics (formerly Invitae), Labcorp
Classification: Uncertain significance for Multiple endocrine neoplasia type 4. Last evaluated: 2026-01-12. Review status: criteria provided, single submitter. Criteria: Invitae Variant Classification Sherloc (09022015). Collection method: clinical testing. Allele origin: germline.
Comment: This sequence change replaces lysine, which is basic and polar, with arginine, which is basic and polar, at codon 100 of the CDKN1B protein (p.Lys100Arg). This variant is not present in population databases (gnomAD no frequency). This variant has not been reported in the literature in individuals affected with CDKN1B-related conditions. ClinVar contains an entry for this variant (Variation ID: 657937). An algorithm developed to predict the effect of missense changes on protein structure and function (PolyPhen-2) suggests that this variant is likely to be tolerated. Experimental studies have shown that this missense change affects CDKN1B function (PMID: 22547391). In summary, the available evidence is currently insufficient to determine the role of this variant in disease. Therefore, it has been classified as a Variant of Uncertain Significance.

Literature cited by the submitters: PubMed 22547391 (cited by Ambry Genetics and Labcorp Genetics (formerly Invitae), Labcorp).